The following is an entry in ClinVar:

NM_002485.5(NBN):c.1084A>G (p.Thr362Ala)

Gene: NBN (nibrin; minus strand). Cytogenetic location: 8q21.3.
Variant type: single nucleotide variant.
Coding change: c.1084A>G on transcript NM_002485.5 (MANE Select); coding-DNA position 1084, A replaced by G.
Protein change: p.Thr362Ala; replaces threonine 362 with alanine.
Molecular consequence: missense variant.
Genome position (GRCh38, 1-based): chr8:89,958,765, T>C on the plus strand (A>G on the coding strand, the complement: NBN is on the minus strand). VCF-style: chr8-89958765-T-C. GRCh37 (hg19) VCF-style: chr8-90970993-T-C.
Other names: c.838A>G, p.Thr280Ala (NM_001024688.3); short protein forms T362A, T280A.
Identifiers: ClinVar variation 853347 (VCV000853347.7), dbSNP rs1810850707, ClinGen allele CA371656645.
Genomic context (GRCh38, chr8:89,958,765, plus strand): 5'-CGGTAATGAAGAAGCTTTACCATGTATCTGCTTGCTCTGATTCTGTGTCAGCTACGTATG[T>C]TGTAGTGTTCACTGGGGCGCTTGGCATTAGTTTTTCATCAACTGACACGCCTTGTGAAAG-3'
Protein context (NP_002476.2, residues 352-372): LMPSAPVNTT[Thr362Ala]YVADTESEQA

ClinVar aggregate classification (germline): Uncertain significance (1 of 4 stars; one submission).

Conditions:
Microcephaly, normal intelligence and immunodeficiency (NBS). Also called: Microcephaly with normal intelligence immunodeficiency and lymphoreticular malignancies; Nonsyndromal microcephaly autosomal recessive with normal intelligence; Seemanova syndrome 2; Immunodeficiency, microcephaly with normal intelligence; SEEMANOVA SYNDROME II; Ataxia telangiectasia variant V1. Identifiers: Orphanet 647, MedGen C0398791, MONDO:0009623, OMIM 251260.

Allele frequency attached by ClinVar (database versions not stated): gnomAD exomes below 0.00001.
gnomAD v4.1: 1 of 1,614,146 alleles (0.000062%); highest among the groups gnomAD compares: Non-Finnish European, 0.000085%; no homozygotes.

Submission:

Labcorp Genetics (formerly Invitae), Labcorp
Classification: Uncertain significance for Microcephaly, normal intelligence and immunodeficiency. Last evaluated: 2021-08-28. Review status: criteria provided, single submitter. Criteria: Invitae Variant Classification Sherloc (09022015). Collection method: clinical testing. Allele origin: germline.
Comment: This sequence change replaces threonine with alanine at codon 362 of the NBN protein (p.Thr362Ala). The threonine residue is moderately conserved and there is a small physicochemical difference between threonine and alanine. This variant is not present in population databases (ExAC no frequency). This variant has not been reported in the literature in individuals affected with NBN-related conditions. Algorithms developed to predict the effect of missense changes on protein structure and function output the following: SIFT: "Tolerated"; PolyPhen-2: "Benign"; Align-GVGD: "Class C0". The alanine amino acid residue is found in multiple mammalian species, which suggests that this missense change does not adversely affect protein function. In summary, the available evidence is currently insufficient to determine the role of this variant in disease. Therefore, it has been classified as a Variant of Uncertain Significance.